The following is an entry in ClinVar:

NM_198334.3(GANAB):c.1402G>T (p.Asp468Tyr)

Gene: GANAB (glucosidase II alpha subunit; minus strand). Cytogenetic location: 11q12.3.
Variant type: single nucleotide variant.
Coding change: c.1402G>T on transcript NM_198334.3 (MANE Select); coding-DNA position 1402, G replaced by T.
Protein change: p.Asp468Tyr; replaces aspartic acid 468 with tyrosine.
Molecular consequence: missense variant.
Genome position (GRCh38, 1-based): chr11:62,630,490, C>A on the plus strand (G>T on the coding strand, the complement: GANAB is on the minus strand). VCF-style: chr11-62630490-C-A. GRCh37 (hg19) VCF-style: chr11-62397962-C-A.
Other names: c.1126G>T, p.Asp376Tyr (NM_001278192.2); c.1060G>T, p.Asp354Tyr (NM_001278193.2); c.1111G>T, p.Asp371Tyr (NM_001278194.2, NM_001329222.2, NM_001329223.2); c.679G>T, p.Asp227Tyr (NM_001329224.2, NM_001329225.2); c.1468G>T, p.Asp490Tyr (NM_198335.4); short protein forms D227Y, D354Y, D371Y, D376Y, D468Y, D490Y.
Identifiers: ClinVar variation 2502784 (VCV002502784.1), dbSNP rs2496333941, ClinGen allele CA380992799.
Genomic context (GRCh38, chr11:62,630,490, plus strand): 5'-GCCCCAGGTTCCGCAGCTCCTCGTGAACTCGGTAGCCGGAGTCCACCTTGATGTGGGGGT[C>A]TACGATGGCCACCAGCTGGGGGCAAGGAACAGGGGTGTTCAGGTCTCTTTAAGGCTAAAC-3'
Protein context (NP_938148.1, residues 458-478): SKRRKLVAIV[Asp468Tyr]PHIKVDSGYR

ClinVar aggregate classification (germline): Uncertain significance (1 of 4 stars; one submission).

Submission:

GeneDx
Classification: Uncertain significance. Last evaluated: 2022-11-20. Review status: criteria provided, single submitter. Criteria: GeneDx Variant Classification Process June 2021. Collection method: clinical testing. Allele origin: germline. Affected: yes.
Comment: Not observed at significant frequency in large population cohorts (gnomAD); In silico analysis supports that this missense variant has a deleterious effect on protein structure/function; Has not been previously published as pathogenic or benign to our knowledge